The following is an entry in ClinVar:

NM_021729.6(VPS11):c.2807A>C (p.His936Pro)

Gene: VPS11 (VPS11 core subunit of CORVET and HOPS complexes; plus strand). Cytogenetic location: 11q23.3.
Variant type: single nucleotide variant.
Coding change: c.2807A>C on transcript NM_021729.6 (MANE Select); coding-DNA position 2807, A replaced by C.
Protein change: p.His936Pro; replaces histidine 936 with proline.
Molecular consequence: missense variant. On other transcripts: non-coding transcript variant (8).
Genome position (GRCh38, 1-based): chr11:119,081,604, A>C. VCF-style: chr11-119081604-A-C. GRCh37 (hg19) VCF-style: chr11-118952314-A-C.
Other names: c.2807A>C (NM_021729.5); c.2777A>C, p.His926Pro (NM_001290185.2); c.2819A>C, p.His940Pro (NM_001378218.1, NM_001378219.1); c.2792A>C, p.His931Pro (NM_001378220.1); c.2789A>C, p.His930Pro (NM_001378221.1); short protein forms H926P, H930P, H931P, H936P, H940P.
Identifiers: ClinVar variation 1662170 (VCV001662170.33), dbSNP rs199817725, ClinGen allele CA6313797.

ClinVar aggregate classification (germline): Benign/Likely benign. Review status: criteria provided, multiple submitters, no conflicts (2 of 4 stars). 5 submissions from 5 submitters: Benign (1); Likely benign (4). Last evaluated 2026-07-28.

Conditions:
VPS11-related disorder. Also called: VPS11-related condition.

Allele frequency attached by ClinVar (database versions not stated): 1000 Genomes Project 30x 0.00016; 1000 Genomes Project 0.00020; gnomAD 0.00066 and 0.00084; ExAC 0.00081; gnomAD exomes 0.00082 and 0.00083; TOPMed 0.00105; ESP Exome Variant Server 0.00137.
gnomAD v4.1: 1,342 of 1,613,738 alleles (0.083%); highest among the groups gnomAD compares: Middle Eastern, 0.26%; 7 homozygotes.

Submissions (5):

PreventionGenetics, part of Exact Sciences
Classification: Likely benign for VPS11-related condition. Last evaluated: 2026-07-28. Review status: criteria provided, single submitter. Criteria: ACMG Guidelines, 2015. Collection method: clinical testing. Allele origin: germline.
Comment: This variant is classified as likely benign based on ACMG/AMP sequence variant interpretation guidelines (Richards et al. 2015 PMID: 25741868, with internal and published modifications).

Labcorp Genetics (formerly Invitae), Labcorp
Classification: Likely benign. Last evaluated: 2026-01-28. Review status: criteria provided, single submitter. Criteria: Invitae Variant Classification Sherloc (09022015). Collection method: clinical testing. Allele origin: germline.

Blueprint Genetics
Classification: Likely benign. Last evaluated: 2024-11-25. Review status: criteria provided, single submitter. Criteria: ACMG Guidelines, 2015. Collection method: clinical testing. Allele origin: germline.

CeGaT Center for Human Genetics Tuebingen
Classification: Benign. Last evaluated: 2024-01-01. Review status: criteria provided, single submitter. Criteria: CeGaT Center For Human Genetics Tuebingen Variant Classification Criteria Version 2. Collection method: clinical testing. Allele origin: germline. Affected: yes. Observed: 1 variant allele.
Comment: VPS11: BS1, BS2

Breakthrough Genomics
Classification: Likely benign. Review status: criteria provided, single submitter. Criteria: ACMG Guidelines, 2015. Collection method: not provided. Allele origin: germline. Inheritance: Autosomal recessive inheritance. Affected: yes.